The following is an entry in ClinVar:

ClinVar aggregate classification (germline): Uncertain significance (1 of 4 stars; one submission).

Conditions:
Myofibrillar myopathy 4. Also called: Zaspopathy (type). Identifiers: Orphanet 98912, MedGen C4721886, MONDO:0012277, OMIM 609452.

Allele frequency attached by ClinVar (database versions not stated): gnomAD exomes below 0.00001 and 0.00001; ExAC 0.00001.
gnomAD v4.1: 3 of 1,614,018 alleles (0.00019%); highest among the groups gnomAD compares: South Asian, 0.0033%; no homozygotes.

Submission:

Labcorp Genetics (formerly Invitae), Labcorp
Classification: Uncertain significance for Myofibrillar myopathy 4. Last evaluated: 2022-11-03. Review status: criteria provided, single submitter. Criteria: Invitae Variant Classification Sherloc (09022015). Collection method: clinical testing. Allele origin: germline.
Comment: This variant is present in population databases (rs764056994, gnomAD 0.006%). This sequence change affects codon 239 of the LDB3 mRNA. It is a 'silent' change, meaning that it does not change the encoded amino acid sequence of the LDB3 protein. It affects a nucleotide within the consensus splice site. This variant has not been reported in the literature in individuals affected with LDB3-related conditions. In summary, the available evidence is currently insufficient to determine the role of this variant in disease. Therefore, it has been classified as a Variant of Uncertain Significance. Algorithms developed to predict the effect of sequence changes on RNA splicing suggest that this variant is not likely to affect RNA splicing. ClinVar contains an entry for this variant (Variation ID: 464279).

NM_007078.3(LDB3):c.858C>T (p.Phe286=)

Gene: LDB3 (LIM domain binding 3; plus strand). Cytogenetic location: 10q23.2.
Variant type: single nucleotide variant.
Coding change: c.858C>T on transcript NM_007078.3 (MANE Select); coding-DNA position 858, C replaced by T.
Protein change: p.Phe286=; no amino-acid change (phenylalanine 286 retained).
Molecular consequence: synonymous variant.
Genome position (GRCh38, 1-based): chr10:86,692,064, C>T. VCF-style: chr10-86692064-C-T. GRCh37 (hg19) VCF-style: chr10-88451821-C-T.
Other names: c.717C>T, p.Phe239= (NM_001080116.1, NM_001080114.2, NM_001368066.1 and 2 more transcripts); c.858C>T, p.Phe286= (NM_001080115.2, NM_001368063.1, NM_001368064.1 and 1 more transcripts); c.1062C>T, p.Phe354= (NM_001171610.2, NM_001171611.2).
Identifiers: ClinVar variation 464279 (VCV000464279.9), dbSNP rs764056994, ClinGen allele CA5584902.